The following is an entry in ClinVar:

NM_021167.5(GATAD1):c.512G>A (p.Arg171Lys)

Gene: GATAD1 (GATA zinc finger domain containing 1; plus strand). Cytogenetic location: 7q21.2.
Variant type: single nucleotide variant.
Coding change: c.512G>A on transcript NM_021167.5 (MANE Select); coding-DNA position 512, G replaced by A.
Protein change: p.Arg171Lys; replaces arginine 171 with lysine.
Molecular consequence: missense variant. On other transcripts: non-coding transcript variant (1).
Genome position (GRCh38, 1-based): chr7:92,454,578, G>A. VCF-style: chr7-92454578-G-A. GRCh37 (hg19) VCF-style: chr7-92083892-G-A.
Other names: short protein forms R171K.
Identifiers: ClinVar variation 581797 (VCV000581797.15), dbSNP rs540654499, ClinGen allele CA4340311.

ClinVar aggregate classification (germline): Uncertain significance. Review status: criteria provided, multiple submitters, no conflicts (2 of 4 stars). 3 submissions from 3 submitters: Uncertain significance (3). Last evaluated 2025-08-20.

Conditions:
Cardiovascular phenotype. Identifiers: MedGen CN230736.
Dilated cardiomyopathy 2B. Identifiers: Orphanet 154, MedGen C3553409, MONDO:0013848, OMIM 614672.

Allele frequency attached by ClinVar (database versions not stated): gnomAD exomes 0.00001 and 0.00002; ExAC 0.00002; gnomAD 0.00010 and 0.00011; TOPMed 0.00012; 1000 Genomes Project 0.00020; 1000 Genomes Project 30x 0.00031.
gnomAD v4.1: 27 of 1,613,328 alleles (0.0017%); highest among the groups gnomAD compares: African/African-American, 0.027%; no homozygotes.

Submissions (3):

Ambry Genetics
Classification: Uncertain significance for Cardiovascular phenotype. Last evaluated: 2025-08-20. Review status: criteria provided, single submitter. Criteria: Ambry Variant Classification Scheme 2023. Collection method: clinical testing. Allele origin: germline.
Comment: The p.R171K variant (also known as c.512G>A), located in coding exon 4 of the GATAD1 gene, results from a G to A substitution at nucleotide position 512. The arginine at codon 171 is replaced by lysine, an amino acid with highly similar properties. This amino acid position is highly conserved in available vertebrate species. In addition, this alteration is predicted to be deleterious by in silico analysis. Since supporting evidence is limited at this time, the clinical significance of this alteration remains unclear.

Labcorp Genetics (formerly Invitae), Labcorp
Classification: Uncertain significance for Dilated cardiomyopathy 2B. Last evaluated: 2023-10-09. Review status: criteria provided, single submitter. Criteria: Invitae Variant Classification Sherloc (09022015). Collection method: clinical testing. Allele origin: germline.
Comment: This sequence change replaces arginine, which is basic and polar, with lysine, which is basic and polar, at codon 171 of the GATAD1 protein (p.Arg171Lys). This variant is present in population databases (rs540654499, gnomAD 0.02%). This variant has not been reported in the literature in individuals affected with GATAD1-related conditions. ClinVar contains an entry for this variant (Variation ID: 581797). Advanced modeling of protein sequence and biophysical properties (such as structural, functional, and spatial information, amino acid conservation, physicochemical variation, residue mobility, and thermodynamic stability) performed at Invitae indicates that this missense variant is not expected to disrupt GATAD1 protein function. In summary, the available evidence is currently insufficient to determine the role of this variant in disease. Therefore, it has been classified as a Variant of Uncertain Significance.

Fulgent Genetics
Classification: Uncertain significance for Dilated cardiomyopathy 2B. Last evaluated: 2021-11-04. Review status: criteria provided, single submitter. Criteria: ACMG Guidelines, 2015. Collection method: clinical testing. Allele origin: unknown.